The following is an entry in ClinVar:

ClinVar aggregate classification (germline): Uncertain significance (1 of 4 stars; one submission).

Conditions:
Hereditary cancer-predisposing syndrome. Also called: Hereditary Cancer Syndrome; Hereditary neoplastic syndrome; Tumor predisposition; Neoplastic Syndromes, Hereditary. Identifiers: Orphanet 140162, MedGen C0027672, MeSH D009386, MONDO:0015356.

Submission:

Ambry Genetics
Classification: Uncertain significance for Hereditary cancer-predisposing syndrome. Last evaluated: 2024-07-27. Review status: criteria provided, single submitter. Criteria: Ambry Variant Classification Scheme 2023. Collection method: clinical testing. Allele origin: germline.
Comment: The p.N57D variant (also known as c.169A>G), located in coding exon 1 of the GREM1 gene, results from an A to G substitution at nucleotide position 169. The asparagine at codon 57 is replaced by aspartic acid, an amino acid with highly similar properties. This amino acid position is conserved. In addition, this alteration is predicted to be tolerated by in silico analysis. Based on the available evidence, the clinical significance of this variant remains unclear.

NM_013372.7(GREM1):c.169A>G (p.Asn57Asp)

Gene: GREM1 (gremlin 1, DAN family BMP antagonist; plus strand). Cytogenetic location: 15q13.3.
Variant type: single nucleotide variant.
Coding change: c.169A>G on transcript NM_013372.7 (MANE Select); coding-DNA position 169, A replaced by G.
Protein change: p.Asn57Asp; replaces asparagine 57 with aspartic acid.
Molecular consequence: missense variant. On other transcripts: intron variant (2).
Genome position (GRCh38, 1-based): chr15:32,730,859, A>G. VCF-style: chr15-32730859-A-G. GRCh37 (hg19) VCF-style: chr15-33023060-A-G.
Other names: c.169A>G, p.Asn57Asp (NM_001368719.1); c.114+55A>G (NM_001191323.2); c.28-69A>G (NM_001191322.2); short protein forms N57D.
Identifiers: ClinVar variation 3522507 (VCV003522507.1).